The following is an entry in ClinVar:

NM_003482.4(KMT2D):c.6101A>G (p.Asp2034Gly)

Gene: KMT2D (lysine methyltransferase 2D; minus strand). Cytogenetic location: 12q13.12.
Variant type: single nucleotide variant.
Coding change: c.6101A>G on transcript NM_003482.4 (MANE Select); coding-DNA position 6101, A replaced by G.
Protein change: p.Asp2034Gly; replaces aspartic acid 2034 with glycine.
Molecular consequence: missense variant.
Genome position (GRCh38, 1-based): chr12:49,042,097, T>C on the plus strand (A>G on the coding strand, the complement: KMT2D is on the minus strand). VCF-style: chr12-49042097-T-C. GRCh37 (hg19) VCF-style: chr12-49435880-T-C.
Other names: short protein forms D2034G.
Identifiers: ClinVar variation 3675671 (VCV003675671.2).

ClinVar aggregate classification (germline): Uncertain significance (1 of 4 stars; one submission).

Conditions:
Kabuki syndrome. Also called: NIIKAWA-KUROKI SYNDROME; Kabuki make-up syndrome. Identifiers: Orphanet 2322, MedGen C0796004, MONDO:0016512.

gnomAD v4.1: 6 of 1,613,802 alleles (0.00037%); highest among the groups gnomAD compares: Non-Finnish European, 0.00051%; no homozygotes.

Submission:

Labcorp Genetics (formerly Invitae), Labcorp
Classification: Uncertain significance for Kabuki syndrome. Last evaluated: 2024-05-14. Review status: criteria provided, single submitter. Criteria: Invitae Variant Classification Sherloc (09022015). Collection method: clinical testing. Allele origin: germline.
Comment: This sequence change replaces aspartic acid, which is acidic and polar, with glycine, which is neutral and non-polar, at codon 2034 of the KMT2D protein (p.Asp2034Gly). This variant is not present in population databases (gnomAD no frequency). This variant has not been reported in the literature in individuals affected with KMT2D-related conditions. Advanced modeling of protein sequence and biophysical properties (such as structural, functional, and spatial information, amino acid conservation, physicochemical variation, residue mobility, and thermodynamic stability) performed at Invitae indicates that this missense variant is not expected to disrupt KMT2D protein function with a negative predictive value of 95%. In summary, the available evidence is currently insufficient to determine the role of this variant in disease. Therefore, it has been classified as a Variant of Uncertain Significance.